The following is an entry in ClinVar:

NM_177438.3(DICER1):c.1394G>A (p.Gly465Asp)

Gene: DICER1 (dicer 1, ribonuclease III; minus strand). Cytogenetic location: 14q32.13.
Variant type: single nucleotide variant.
Coding change: c.1394G>A on transcript NM_177438.3 (MANE Select); coding-DNA position 1394, G replaced by A.
Protein change: p.Gly465Asp; replaces glycine 465 with aspartic acid.
Molecular consequence: missense variant.
Genome position (GRCh38, 1-based): chr14:95,117,737, C>T on the plus strand (G>A on the coding strand, the complement: DICER1 is on the minus strand). VCF-style: chr14-95117737-C-T. GRCh37 (hg19) VCF-style: chr14-95584074-C-T.
Other names: c.1394G>A (NM_177438.2); c.1394G>A, p.Gly465Asp (NM_001291628.2, NM_030621.4, NM_001195573.1 and 1 more transcripts); short protein forms G465D.
Identifiers: ClinVar variation 1040971 (VCV001040971.11), dbSNP rs1892608239, ClinGen allele CA390885668.

ClinVar aggregate classification (germline): Uncertain significance. Review status: criteria provided, multiple submitters, no conflicts (2 of 4 stars). 2 submissions from 2 submitters: Uncertain significance (2). Last evaluated 2023-07-24.

Conditions:
DICER1-related tumor predisposition. Also called: DICER1 syndrome; DICER1-related pleuropulmonary blastoma cancer predisposition syndrome. Identifiers: Orphanet 284343, MedGen C3839822, MONDO:0100216.
Hereditary cancer-predisposing syndrome. Also called: Hereditary neoplastic syndrome; Neoplastic Syndromes, Hereditary; Tumor predisposition; Hereditary Cancer Syndrome. Identifiers: Orphanet 140162, MedGen C0027672, MeSH D009386, MONDO:0015356.

Submissions (2):

Ambry Genetics
Classification: Uncertain significance for Hereditary cancer-predisposing syndrome. Last evaluated: 2023-07-24. Review status: criteria provided, single submitter. Criteria: Ambry Variant Classification Scheme 2023. Collection method: clinical testing. Allele origin: germline.
Comment: The p.G465D variant (also known as c.1394G>A), located in coding exon 8 of the DICER1 gene, results from a G to A substitution at nucleotide position 1394. The glycine at codon 465 is replaced by aspartic acid, an amino acid with similar properties. This amino acid position is highly conserved in available vertebrate species. In addition, this alteration is predicted to be deleterious by in silico analysis. Since supporting evidence is limited at this time, the clinical significance of this alteration remains unclear.

Labcorp Genetics (formerly Invitae), Labcorp
Classification: Uncertain significance for DICER1-related tumor predisposition. Last evaluated: 2020-10-09. Review status: criteria provided, single submitter. Criteria: Invitae Variant Classification Sherloc (09022015). Collection method: clinical testing. Allele origin: germline.
Comment: In summary, the available evidence is currently insufficient to determine the role of this variant in disease. Therefore, it has been classified as a Variant of Uncertain Significance. Algorithms developed to predict the effect of missense changes on protein structure and function are either unavailable or do not agree on the potential impact of this missense change (SIFT: "Tolerated"; PolyPhen-2: "Probably Damaging"; Align-GVGD: "Class C0"). This variant has not been reported in the literature in individuals with DICER1-related conditions. This variant is not present in population databases (ExAC no frequency). This sequence change replaces glycine with aspartic acid at codon 465 of the DICER1 protein (p.Gly465Asp). The glycine residue is highly conserved and there is a moderate physicochemical difference between glycine and aspartic acid.